The following is an entry in ClinVar:

NM_001085458.2(CTNND1):c.2233G>T (p.Glu745Ter)

Genes: CTNND1 (catenin delta 1; plus strand), TMX2-CTNND1 (TMX2-CTNND1 readthrough (NMD candidate); plus strand). Cytogenetic location: 11q12.1.
Variant type: single nucleotide variant.
Coding change: c.2233G>T on transcript NM_001085458.2 (MANE Select); coding-DNA position 2233, G replaced by T.
Protein change: p.Glu745Ter; replaces glutamic acid 745 with a stop codon.
Molecular consequence: nonsense. On other transcripts: non-coding transcript variant (1).
Genome position (GRCh38, 1-based): chr11:57,808,531, G>T. VCF-style: chr11-57808531-G-T. GRCh37 (hg19) VCF-style: chr11-57576003-G-T.
Other names: c.2215G>T, p.Glu739Ter (NM_001085459.2, NM_001085460.2, NM_001085461.2 and 2 more transcripts); c.1930G>T, p.Glu644Ter (NM_001085463.2, NM_001085466.2); c.1912G>T, p.Glu638Ter (NM_001085464.2, NM_001085465.2, NM_001085467.2 and 3 more transcripts); c.2071G>T, p.Glu691Ter (NM_001206883.2, NM_001206884.2); c.2233G>T, p.Glu745Ter (NM_001206885.2); c.2053G>T, p.Glu685Ter (NM_001206886.2, NM_001206887.2, NM_001206888.2 and 2 more transcripts); short protein forms E638*, E644*, E685*, E691*, E739*, E745*.
Identifiers: ClinVar variation 1333575 (VCV001333575.1), dbSNP rs2137392998, ClinGen allele CA380729853.

ClinVar aggregate classification (germline): Likely pathogenic (1 of 4 stars; one submission).

Conditions:
Blepharocheilodontic syndrome 2 (BCDS2). Identifiers: MedGen C4540127, MONDO:0040503, OMIM 617681.

Submission:

3billion
Classification: Likely pathogenic for Blepharocheilodontic syndrome 2. Last evaluated: 2022-01-03. Review status: criteria provided, single submitter. Criteria: ACMG Guidelines, 2015. Collection method: clinical testing. Allele origin: germline. Affected: yes. Observed: 1 heterozygote.
Comment: Stop-gained (nonsense): predicted to result in a loss or disruption of normal protein function through nonsense-mediated decay (NMD) or protein truncation. Multiple pathogenic variants are reported downstream of the variant (PVS1_VS). It is not observed in the gnomAD v2.1.1 dataset (PM2_M). Therefore, this variant is classified as likely pathogenic according to the recommendation of ACMG/AMP guideline.